The following is an entry in ClinVar:

NM_018668.5(VPS33B):c.1480-1G>A

Gene: VPS33B (VPS33B late endosome and lysosome associated; minus strand). Cytogenetic location: 15q26.1.
Variant type: single nucleotide variant.
Coding change: c.1480-1G>A on transcript NM_018668.5 (MANE Select); the canonical splice acceptor site of the intron before coding-DNA position 1480, G replaced by A.
Molecular consequence: splice acceptor variant.
Genome position (GRCh38, 1-based): chr15:91,000,592, C>T on the plus strand (G>A on the coding strand, the complement: VPS33B is on the minus strand). VCF-style: chr15-91000592-C-T. GRCh37 (hg19) VCF-style: chr15-91543822-C-T.
Other names: c.1399-1G>A (NM_001289148.1); c.1207-1G>A (NM_001289149.1).
Identifiers: ClinVar variation 3346924 (VCV003346924.1).
Genomic context (GRCh38, chr15:91,000,592, plus strand): 5'-GAAGACGTAAGCCATGTCTCGGGGCACTTTCAGATCATACTCGCCGTCCACACGTGGGAT[C>T]TGTAAGACAAAGGGACTTCATTAGGCAAGTGACAGCTCAGCTCCCTAACCCTTTAAAGGG-3'

ClinVar aggregate classification (germline): Likely pathogenic (0 of 4 stars; one submission).

Conditions:
VPS33B-related disorder. Also called: VPS33B-related condition.

gnomAD v4.1: 4 of 1,611,746 alleles (0.00025%); highest among the groups gnomAD compares: Non-Finnish European, 0.00034%; no homozygotes.

Submission:

PreventionGenetics, part of Exact Sciences
Classification: Likely pathogenic for VPS33B-related condition. Last evaluated: 2024-04-18. Review status: no assertion criteria provided. Collection method: clinical testing. Allele origin: germline.
Comment: The VPS33B c.1480-1G>A variant is predicted to disrupt the AG splice acceptor site and interfere with normal splicing. To our knowledge, this variant has not been reported in the literature or in a large population database, indicating this variant is rare. Variants that disrupt the consensus splice acceptor site in VPS33B are expected to be pathogenic. This variant is interpreted as likely pathogenic.